The following is an entry in ClinVar:

NM_020987.5(ANK3):c.8153T>C (p.Ile2718Thr)

Gene: ANK3 (ankyrin 3; minus strand). Cytogenetic location: 10q21.2.
Variant type: single nucleotide variant.
Coding change: c.8153T>C on transcript NM_020987.5 (MANE Select); coding-DNA position 8153, T replaced by C.
Protein change: p.Ile2718Thr; replaces isoleucine 2718 with threonine.
Molecular consequence: missense variant. On other transcripts: intron variant (4).
Genome position (GRCh38, 1-based): chr10:60,072,728, A>G on the plus strand (T>C on the coding strand, the complement: ANK3 is on the minus strand). VCF-style: chr10-60072728-A-G. GRCh37 (hg19) VCF-style: chr10-61832486-A-G.
Other names: c.4388-4719T>C (NM_001204403.2); c.4409-4719T>C (NM_001204404.2); c.4406-4719T>C (NM_001320874.2); c.1808-4719T>C (NM_001149.4); short protein forms I2718T.
Identifiers: ClinVar variation 3652038 (VCV003652038.2).

ClinVar aggregate classification (germline): Uncertain significance (1 of 4 stars; one submission).

Submission:

Labcorp Genetics (formerly Invitae), Labcorp
Classification: Uncertain significance. Last evaluated: 2024-05-09. Review status: criteria provided, single submitter. Criteria: Invitae Variant Classification Sherloc (09022015). Collection method: clinical testing. Allele origin: germline.
Comment: This sequence change replaces isoleucine, which is neutral and non-polar, with threonine, which is neutral and polar, at codon 2718 of the ANK3 protein (p.Ile2718Thr). This variant is not present in population databases (gnomAD no frequency). This variant has not been reported in the literature in individuals affected with ANK3-related conditions. Advanced modeling of protein sequence and biophysical properties (such as structural, functional, and spatial information, amino acid conservation, physicochemical variation, residue mobility, and thermodynamic stability) performed at Invitae indicates that this missense variant is not expected to disrupt ANK3 protein function with a negative predictive value of 80%. In summary, the available evidence is currently insufficient to determine the role of this variant in disease. Therefore, it has been classified as a Variant of Uncertain Significance.